The following is an entry in ClinVar:

NM_000038.6(APC):c.3854_3855dup (p.Glu1286fs)

Gene: APC (APC regulator of Wnt signaling pathway; plus strand). Cytogenetic location: 5q22.2.
Variant type: Duplication.
Coding change: c.3854_3855dup on transcript NM_000038.6 (MANE Select); coding-DNA positions 3854 to 3855, 2 bases duplicated (AT; older notation c.3854_3855dupAT).
Protein change: p.Glu1286fs; shifts the reading frame from glutamic acid 1286.
Molecular consequence: frameshift variant.
Genome position (GRCh38, 1-based): chr5:112,839,448-112,839,449, AT duplicated. VCF-style (leftmost placement, unchanged base first): chr5-112839447-G-GAT. GRCh37 (hg19) VCF-style: chr5-112175144-G-GAT.
Other names: c.3854_3855dup, p.Glu1286fs (NM_001127510.3, NM_001354895.2); c.3800_3801dup, p.Glu1268fs (NM_001127511.3); c.3908_3909dup, p.Glu1304fs (NM_001354896.2); c.3884_3885dup, p.Glu1296fs (NM_001354897.2); c.3779_3780dup, p.Glu1261fs (NM_001354898.2); c.3770_3771dup, p.Glu1258fs (NM_001354899.2); c.3731_3732dup, p.Glu1245fs (NM_001354900.2); c.3677_3678dup, p.Glu1227fs (NM_001354901.2); and 5 more; short protein forms E1003fs, E1286fs, E1160fs, E1258fs, E1304fs, E1195fs, E1245fs, E1268fs.
Identifiers: ClinVar variation 633036 (VCV000633036.1), dbSNP rs1561588017, ClinGen allele CA913189674.

ClinVar aggregate classification (germline): Likely pathogenic (1 of 4 stars; one submission).

Conditions:
Familial multiple polyposis syndrome (FAP). Also called: Familial adenomatous polyposis; Familial polyposis; Familial Adenomatous Polyposis (FAP); Classic familial adenomatous polyposis; Familial intestinal polyposis. Identifiers: Orphanet 733, MedGen C0032580, MONDO:0021055. Disease mechanism: loss of function.

Submission:

Women's Health and Genetics/Laboratory Corporation of America, LabCorp
Classification: Likely pathogenic for Familial adenomatous polyposis. Last evaluated: 2018-04-23. Review status: criteria provided, single submitter. Criteria: LabCorp Variant Classification Summary - May 2015. Collection method: clinical testing. Allele origin: germline.
Comment: Variant summary: APC c.3854_3855dupAT (p.Glu1286MetfsX3) results in a premature termination codon, predicted to cause a truncation of the encoded protein or absence of the protein due to nonsense mediated decay, which are commonly known mechanisms for disease. Truncations downstream of this position have been classified as pathogenic by our laboratory (eg. c.3927_3931delAAAGA (p.Glu1309fsX4), c.4393_4394dupAG (p.Ser1465fsX90, and c.5582_5585delCTTT (p.Ser1861X)). The variant was absent in 245764 control chromosomes (gnomAD). To our knowledge, no occurrence of c.3854_3855dupAT in individuals affected with Familial Adenomatous Polyposis and no experimental evidence demonstrating its impact on protein function have been reported. No clinical diagnostic laboratories have submitted clinical-significance assessments for this variant to ClinVar after 2014. Based on the evidence outlined above, the variant was classified as likely pathogenic.